The following is an entry in ClinVar:

NM_144997.7(FLCN):c.1191G>A (p.Val397=)

Gene: FLCN (folliculin; minus strand). Cytogenetic location: 17p11.2.
Variant type: single nucleotide variant.
Coding change: c.1191G>A on transcript NM_144997.7 (MANE Select); coding-DNA position 1191, G replaced by A.
Protein change: p.Val397=; no amino-acid change (valine 397 retained).
Molecular consequence: synonymous variant.
Genome position (GRCh38, 1-based): chr17:17,216,489, C>T on the plus strand (G>A on the coding strand, the complement: FLCN is on the minus strand). VCF-style: chr17-17216489-C-T. GRCh37 (hg19) VCF-style: chr17-17119803-C-T.
Other names: c.1245G>A, p.Val415= (NM_001353229.2); c.1191G>A, p.Val397= (NM_001353230.2, NM_001353231.2).
Identifiers: ClinVar variation 5021826 (VCV005021826.1).

ClinVar aggregate classification (germline): Uncertain significance (1 of 4 stars; one submission).

Conditions:
Hereditary cancer-predisposing syndrome. Also called: Neoplastic Syndromes, Hereditary; Tumor predisposition; Hereditary neoplastic syndrome; Hereditary Cancer Syndrome. Identifiers: Orphanet 140162, MedGen C0027672, MeSH D009386, MONDO:0015356.

Submission:

Ambry Genetics
Classification: Uncertain significance for Hereditary cancer-predisposing syndrome. Last evaluated: 2026-07-08. Review status: criteria provided, single submitter. Criteria: Ambry Variant Classification Scheme 2023. Collection method: clinical testing. Allele origin: germline.
Comment: The c.1191G>A variant (also known as p.V397V), located in coding exon 8 of the FLCN gene, results from a G to A substitution at nucleotide position 1191. This nucleotide substitution does not change the valine at codon 397. This nucleotide position is not well conserved in available vertebrate species. In silico splice site analysis predicts that this alteration will result in the creation or strengthening of a novel splice acceptor site; however, direct evidence is insufficient at this time (Ambry internal data). Based on the available evidence, the clinical significance of this variant remains unclear.